The following is an entry in ClinVar:

ClinVar aggregate classification (germline): Uncertain significance. Review status: criteria provided, multiple submitters, no conflicts (2 of 4 stars). 2 submissions from 2 submitters: Uncertain significance (2). Last evaluated 2024-10-04.

Submissions (2):

GeneDx
Classification: Uncertain significance. Last evaluated: 2024-10-04. Review status: criteria provided, single submitter. Criteria: GeneDx Variant Classification Process June 2021. Collection method: clinical testing. Allele origin: germline. Affected: yes.
Comment: Not observed at significant frequency in large population cohorts (gnomAD); In silico analysis supports that this missense variant has a deleterious effect on protein structure/function; Has not been previously published as pathogenic or benign to our knowledge

Labcorp Genetics (formerly Invitae), Labcorp
Classification: Uncertain significance. Last evaluated: 2024-08-18. Review status: criteria provided, single submitter. Criteria: Invitae Variant Classification Sherloc (09022015). Collection method: clinical testing. Allele origin: germline.
Comment: This sequence change replaces alanine, which is neutral and non-polar, with valine, which is neutral and non-polar, at codon 531 of the CUL3 protein (p.Ala531Val). This variant is not present in population databases (gnomAD no frequency). This variant has not been reported in the literature in individuals affected with CUL3-related conditions. Invitae Evidence Modeling of protein sequence and biophysical properties (such as structural, functional, and spatial information, amino acid conservation, physicochemical variation, residue mobility, and thermodynamic stability) indicates that this missense variant is not expected to disrupt CUL3 protein function with a negative predictive value of 80%. In summary, the available evidence is currently insufficient to determine the role of this variant in disease. Therefore, it has been classified as a Variant of Uncertain Significance.

NM_003590.5(CUL3):c.1592C>T (p.Ala531Val)

Gene: CUL3 (cullin 3; minus strand). Cytogenetic location: 2q36.2.
Variant type: single nucleotide variant.
Coding change: c.1592C>T on transcript NM_003590.5 (MANE Select); coding-DNA position 1592, C replaced by T.
Protein change: p.Ala531Val; replaces alanine 531 with valine.
Molecular consequence: missense variant.
Genome position (GRCh38, 1-based): chr2:224,500,381, G>A on the plus strand (C>T on the coding strand, the complement: CUL3 is on the minus strand). VCF-style: chr2-224500381-G-A. GRCh37 (hg19) VCF-style: chr2-225365098-G-A.
Other names: c.1592C>T (NM_003590.4); c.1394C>T, p.Ala465Val (NM_001257197.2); c.1610C>T, p.Ala537Val (NM_001257198.2); short protein forms A465V, A531V, A537V.
Identifiers: ClinVar variation 3629066 (VCV003629066.3).
Genomic context (GRCh38, chr2:224,500,381, plus strand): 5'-ACTTACTTGTACACAGTGATACAAAGTCTGATTTTGATTTACCTTCTGAATATCTCAAAA[G>A]CATGTCTTGGTGCTGGTGGGATGTTGCACTTTGGTGTGGCTGACTGAGTGGGCCAATATC-3'
Protein context (NP_003581.1, residues 521-541): KCNIPPAPRH[Ala531Val]FEIFRRFYLA